The following is an entry in ClinVar:

ClinVar aggregate classification (germline): Uncertain significance. Review status: criteria provided, multiple submitters, no conflicts (2 of 4 stars). 3 submissions from 3 submitters: Uncertain significance (3). Last evaluated 2025-08-12.

Conditions:
Aortic aneurysm, familial thoracic 8 (AAT8). Identifiers: MedGen C3809513, MONDO:0014187, OMIM 615436.
Familial thoracic aortic aneurysm and aortic dissection (TAAD). Also called: Thoracic aortic aneurysms and dissections. Identifiers: Orphanet 91387, MedGen C4707243, MONDO:0019625.

Allele frequency attached by ClinVar (database versions not stated): gnomAD exomes 0.00001.
gnomAD v4.1: 9 of 1,609,226 alleles (0.00056%); highest among the groups gnomAD compares: East Asian, 0.0067%; no homozygotes.

Submissions (3):

Ambry Genetics
Classification: Uncertain significance for Familial thoracic aortic aneurysm and aortic dissection. Last evaluated: 2025-08-12. Review status: criteria provided, single submitter. Criteria: Ambry Variant Classification Scheme 2023. Collection method: clinical testing. Allele origin: germline.
Comment: The p.S446R variant (also known as c.1338C>A), located in coding exon 12 of the PRKG1 gene, results from a C to A substitution at nucleotide position 1338. The serine at codon 446 is replaced by arginine, an amino acid with dissimilar properties. This amino acid position is conserved. In addition, this alteration is predicted to be tolerated by in silico analysis. Based on the available evidence, the clinical significance of this variant remains unclear.

Labcorp Genetics (formerly Invitae), Labcorp
Classification: Uncertain significance for Aortic aneurysm, familial thoracic 8. Last evaluated: 2025-04-13. Review status: criteria provided, single submitter. Criteria: Invitae Variant Classification Sherloc (09022015). Collection method: clinical testing. Allele origin: germline.
Comment: This sequence change replaces serine, which is neutral and polar, with arginine, which is basic and polar, at codon 446 of the PRKG1 protein (p.Ser446Arg). This variant is present in population databases (no rsID available, gnomAD 0.006%). This variant has not been reported in the literature in individuals affected with PRKG1-related conditions. ClinVar contains an entry for this variant (Variation ID: 1485598). An algorithm developed to predict the effect of missense changes on protein structure and function (PolyPhen-2) suggests that this variant is likely to be tolerated. In summary, the available evidence is currently insufficient to determine the role of this variant in disease. Therefore, it has been classified as a Variant of Uncertain Significance.

Clinical Genetics Laboratory, Skane University Hospital Lund
Classification: Uncertain significance. Last evaluated: 2022-05-27. Review status: criteria provided, single submitter. Criteria: ACMG Guidelines, 2015. Collection method: clinical testing. Allele origin: germline. Affected: yes.

NM_006258.4(PRKG1):c.1338C>A (p.Ser446Arg)

Gene: PRKG1 (protein kinase cGMP-dependent 1; plus strand). Cytogenetic location: 10q21.1.
Variant type: single nucleotide variant.
Coding change: c.1338C>A on transcript NM_006258.4 (MANE Select); coding-DNA position 1338, C replaced by A.
Protein change: p.Ser446Arg; replaces serine 446 with arginine.
Molecular consequence: missense variant.
Genome position (GRCh38, 1-based): chr10:52,272,416, C>A. VCF-style: chr10-52272416-C-A. GRCh37 (hg19) VCF-style: chr10-54032176-C-A.
Other names: c.1293C>A, p.Ser431Arg (NM_001098512.3); c.129C>A, p.Ser43Arg (NM_001374781.1); c.1338C>A (NM_006258.3); short protein forms S431R, S43R, S446R.
Identifiers: ClinVar variation 1485598 (VCV001485598.10), dbSNP rs1368429980, ClinGen allele CA376535609.